The following is an entry in ClinVar:

NM_001267550.2(TTN):c.51781C>T (p.Arg17261Ter)

Genes: TTN (titin; minus strand), TTN-AS1 (TTN antisense RNA 1; plus strand). Cytogenetic location: 2q31.2.
Variant type: single nucleotide variant.
Coding change: c.51781C>T on transcript NM_001267550.2 (MANE Select); coding-DNA position 51781, C replaced by T.
Protein change: p.Arg17261Ter; replaces arginine 17261 with a stop codon.
Molecular consequence: nonsense.
Genome position (GRCh38, 1-based): chr2:178,609,529, G>A on the plus strand (C>T on the coding strand, the complement: TTN is on the minus strand). VCF-style: chr2-178609529-G-A. GRCh37 (hg19) VCF-style: chr2-179474256-G-A.
Other names: c.46858C>T, p.Arg15620Ter (NM_001256850.1); c.24586C>T, p.Arg8196Ter (NM_003319.4); c.44077C>T, p.Arg14693Ter (NM_133378.4); c.24961C>T, p.Arg8321Ter (NM_133432.3); c.25162C>T, p.Arg8388Ter (NM_133437.4); short protein forms R14693*, R8321*, R15620*, R8388*, R17261*, R8196*.
Identifiers: ClinVar variation 4794999 (VCV004794999.2).

ClinVar aggregate classification (germline): Likely pathogenic. Review status: criteria provided, multiple submitters, no conflicts (2 of 4 stars). 2 submissions from 2 submitters: Likely pathogenic (2). Last evaluated 2026-01-11.

Conditions:
TTN-related disorder. Also called: TTN-related condition; TTN-related disease; TTN-related disorders.
Dilated cardiomyopathy 1G (CMD1G). Identifiers: Orphanet 154, MedGen C1858763, MONDO:0011400, OMIM 604145.
Autosomal recessive limb-girdle muscular dystrophy type 2J (LGMDR10). Also called: Limb-girdle muscular dystrophy, type 2J; MUSCULAR DYSTROPHY, LIMB-GIRDLE, AUTOSOMAL RECESSIVE 10. Identifiers: Orphanet 140922, MedGen C1837342, MONDO:0012127, OMIM 608807.

Submissions (2):

Labcorp Genetics (formerly Invitae), Labcorp
Classification: Likely pathogenic for Dilated cardiomyopathy 1G; Autosomal recessive limb-girdle muscular dystrophy type 2J. Last evaluated: 2026-01-11. Review status: criteria provided, single submitter. Criteria: Invitae Variant Classification Sherloc (09022015). Collection method: clinical testing. Allele origin: germline.
Comment: This sequence change creates a premature translational stop signal (p.Arg17261*) in the TTN gene. While this is not anticipated to result in nonsense mediated decay, it is expected to create a truncated TTN protein. This variant is not present in population databases (gnomAD no frequency). This premature translational stop signal has been observed in individual(s) with dilated cardiomyopathy (PMID: 31983221; internal data). Algorithms developed to predict the effect of sequence changes on RNA splicing suggest that this variant may disrupt the consensus splice site. This variant is located in the A band of TTN (PMID: 25589632). Truncating variants in this region are significantly overrepresented in patients affected with dilated cardiomyopathy (PMID: 25589632). Truncating variants in this region have also been reported in individuals affected with autosomal recessive centronuclear myopathy (PMID: 23975875). In summary, the currently available evidence indicates that the variant is pathogenic, but additional data are needed to prove that conclusively. Therefore, this variant has been classified as Likely Pathogenic.

Blueprint Genetics
Classification: Likely pathogenic for TTN-related disorders. Last evaluated: 2022-12-23. Review status: criteria provided, single submitter. Criteria: ACMG Guidelines, 2015. Collection method: clinical testing. Allele origin: germline. Affected: yes. Observed: 1 variant allele.

Literature cited by the submitters: PubMed 31983221 (cited by Labcorp Genetics (formerly Invitae), Labcorp); PubMed 25589632 (cited by Labcorp Genetics (formerly Invitae), Labcorp); PubMed 23975875 (cited by Labcorp Genetics (formerly Invitae), Labcorp).